The following is an entry in ClinVar:

NC_000010.10:g.(?_75010610)_(75012240_?)dup

Gene: MRPS16 (mitochondrial ribosomal protein S16; minus strand). Cytogenetic location: 10q22.2.
Variant type: Duplication.
Identifiers: ClinVar variation 1447010 (VCV001447010.5).

ClinVar aggregate classification (germline): Uncertain significance (1 of 4 stars; one submission).

Submission:

Labcorp Genetics (formerly Invitae), Labcorp
Classification: Uncertain significance. Last evaluated: 2023-09-15. Review status: criteria provided, single submitter. Criteria: Invitae Variant Classification Sherloc (09022015). Collection method: clinical testing. Allele origin: germline.
Comment: In summary, the available evidence is currently insufficient to determine the role of this variant in disease. Therefore, it has been classified as a Variant of Uncertain Significance. This variant has not been reported in the literature in individuals affected with MRPS16-related conditions. A copy number gain of the genomic region encompassing the full coding sequence of the MRPS16 gene has been identified. The boundaries of this event are unknown as they extend beyond the assayed region for this gene and therefore may encompass additional genes. As the precise location of this event is unknown, it may be in tandem or it may be located elsewhere in the genome.